The following is an entry in ClinVar:

NM_001069.3(TUBB2A):c.577G>A (p.Val193Met)

Gene: TUBB2A (tubulin beta 2A class IIa; minus strand). Cytogenetic location: 6p25.2.
Variant type: single nucleotide variant.
Coding change: c.577G>A on transcript NM_001069.3 (MANE Select); coding-DNA position 577, G replaced by A.
Protein change: p.Val193Met; replaces valine 193 with methionine.
Molecular consequence: missense variant.
Genome position (GRCh38, 1-based): chr6:3,154,624, C>T on the plus strand (G>A on the coding strand, the complement: TUBB2A is on the minus strand). VCF-style: chr6-3154624-C-T. GRCh37 (hg19) VCF-style: chr6-3154858-C-T.
Other names: c.577G>A (NM_001069.2); c.322G>A, p.Val108Met (NM_001310315.2); short protein forms V193M, V108M.
Identifiers: ClinVar variation 2124428 (VCV002124428.6), dbSNP rs2533524826, ClinGen allele CA362592432.
Genomic context (GRCh38, chr6:3,154,624, plus strand): 5'-GGAAGCAGATGTCATACAGGGCCTCGTTATCAATGGAGTAGGTTTCATCTGTGTTTTCCA[C>T]CAGCTGGTGGACAGAGAGGGTGGCGTTGTAGGGCTCCACCACCGTGTCTGACACCTTGGG-3'
Protein context (NP_001060.1, residues 183-203): YNATLSVHQL[Val193Met]ENTDETYSID

ClinVar aggregate classification (germline): Conflicting classifications of pathogenicity. Review status: criteria provided, conflicting classifications (1 of 4 stars). 3 submissions from 3 submitters: Likely pathogenic (1); Uncertain significance (1). 1 of the submissions does not count toward it. Last evaluated 2025-11-15.

Conditions:
Complex cortical dysplasia with other brain malformations 5. Identifiers: MedGen C3810407, MONDO:0014337, OMIM 615763.
TUBB2A-related tubulinopathy. Identifiers: MedGen CN322834, MONDO:0700044.

Submissions (3):

Labcorp Genetics (formerly Invitae), Labcorp
Classification: Uncertain significance. Last evaluated: 2025-11-15. Review status: criteria provided, single submitter. Criteria: Invitae Variant Classification Sherloc (09022015). Collection method: clinical testing. Allele origin: germline.
Comment: This sequence change replaces valine, which is neutral and non-polar, with methionine, which is neutral and non-polar, at codon 193 of the TUBB2A protein (p.Val193Met). This variant is not present in population databases (gnomAD no frequency). This missense change has been observed in individual(s) with TUBB2A,-related conditions (PMID: 39825153). ClinVar contains an entry for this variant (Variation ID: 2124428). Invitae Evidence Modeling of protein sequence and biophysical properties (such as structural, functional, and spatial information, amino acid conservation, physicochemical variation, residue mobility, and thermodynamic stability) indicates that this missense variant is not expected to disrupt TUBB2A protein function with a negative predictive value of 80%. In summary, the available evidence is currently insufficient to determine the role of this variant in disease. Therefore, it has been classified as a Variant of Uncertain Significance.

Rady Children's Institute for Genomic Medicine, Rady Children's Hospital San Diego
Classification: Likely pathogenic for TUBB2A-related tubulinopathy. Last evaluated: 2024-03-21. Review status: criteria provided, single submitter. Criteria: ACMG Guidelines, 2015. Collection method: clinical testing. Allele origin: germline. Affected: yes.
Comment: The TUBB2A gene is constrained against missense variation (Z-score= 6.02), and missense variants have been commonly reported in affected individuals (HGMD, ClinVar database; PMID: 33776625, 35915025). The c.577G>A (p.Val193Met) variant affects a highly conserved amino acid and is predicted by multiple in silico tools to have a deleterious effect on protein function. This variant has not been previously reported or functionally characterized in the literature to our knowledge. The c.577G>A (p.Val193Met) variant is absent from the gnomAD population database and thus is presumed to be rare. Analysis of the parental samples was negative for the variant, indicating this variant likely occurred as a de novo event. Based on the available evidence, c.577G>A (p.Val193Met) is classified as Likely Pathogenic.

Solve-RD Consortium
Classification: Likely pathogenic for Complex cortical dysplasia with other brain malformations 5. Last evaluated: 2022-06-01. Review status: no assertion criteria provided. Collection method: provider interpretation. Allele origin: inherited. Affected: yes. Not counted in ClinVar's aggregate classification.
Comment: Variant confirmed as disease-causing by referring clinical team

Variant identified during reanalysis of unsolved cases by the Solve-RD project. The Solve-RD project has received funding from the European Union’s Horizon 2020 research and innovation programme under grant agreement No 779257.

Literature cited by the submitters: PubMed 39825153 (cited by Labcorp Genetics (formerly Invitae), Labcorp and Solve-RD Consortium).